The following is an entry in ClinVar:

ClinVar aggregate classification (germline): Pathogenic (1 of 4 stars; one submission).

Conditions:
X-linked lymphoproliferative disease due to XIAP deficiency. Also called: XIAP-Related Lymphoproliferative Disease, X-Linked; XIAP DEFICIENCY. Identifiers: Orphanet 2442, Orphanet 538934, MedGen C1845076, MONDO:0010385, OMIM 300635.

Submission:

Labcorp Genetics (formerly Invitae), Labcorp
Classification: Pathogenic for X-linked lymphoproliferative disease due to XIAP deficiency. Last evaluated: 2025-08-21. Review status: criteria provided, single submitter. Criteria: Invitae Variant Classification Sherloc (09022015). Collection method: clinical testing. Allele origin: germline.
Comment: This sequence change creates a premature translational stop signal (p.Phe462Leufs*7) in the XIAP gene. While this is not anticipated to result in nonsense mediated decay, it is expected to disrupt the last 36 amino acid(s) of the XIAP protein. This variant is not present in population databases (gnomAD no frequency). This premature translational stop signal has been observed in individuals with XIAP Deficiency (PMID: 23973892, 34586554). ClinVar contains an entry for this variant (Variation ID: 1482523). Studies have shown that this premature translational stop signal alters XIAP gene expression (PMID: 34586554). This variant disrupts the C-terminus of the XIAP protein. Other variant(s) that disrupt this region (p.Gln492*, p.Gly466*, p.Phe462Leufs*7) have been observed in individuals with XIAP-related conditions (PMID: 21543760, 23973892, 27815752). This suggests that this may be a clinically significant region of the protein. For these reasons, this variant has been classified as Pathogenic.

Literature cited by the submitters: PubMed 23973892; PubMed 34586554; PubMed 21543760; PubMed 27815752.

NM_001167.4(XIAP):c.1386del (p.Phe462fs)

Gene: XIAP (X-linked inhibitor of apoptosis; plus strand). Cytogenetic location: Xq25.
Variant type: Deletion.
Coding change: c.1386del on transcript NM_001167.4 (MANE Select); coding-DNA position 1386, one base deleted (T; older notation c.1386delT).
Protein change: p.Phe462fs; shifts the reading frame from phenylalanine 462.
Molecular consequence: frameshift variant. On other transcripts: non-coding transcript variant (2).
Genome position (GRCh38, 1-based): chrX:123,907,073, T deleted; the last of 5 consecutive T bases (chrX:123,907,069-123,907,073); deleting any one gives the same sequence. VCF-style (leftmost placement, unchanged base first): chrX-123907068-GT-G. GRCh37 (hg19) VCF-style: chrX-123040918-GT-G.
Other names: c.1386del, p.Phe462fs (NM_001204401.2, NM_001378590.1, NM_001378591.1 and 1 more transcripts); short protein forms F462fs.
Identifiers: ClinVar variation 1482523 (VCV001482523.8), dbSNP rs2148112215, ClinGen allele CA2573159222.
Genomic context (GRCh38, chrX:123,907,068, plus strand): 5'-CTAAGGCGCCTGCAAGAGGAGAAGCTTTGCAAAATCTGTATGGATAGAAATATTGCTATC[GT>G]TTTTGTTCCTTGTGGACATCTAGTCACTTGTAAACAATGTGCTGAAGCAGTTGACAAGTG-3'